The following is an entry in ClinVar:

ClinVar aggregate classification (germline): Uncertain significance. Review status: criteria provided, multiple submitters, no conflicts (2 of 4 stars). 2 submissions from 2 submitters: Uncertain significance (2). Last evaluated 2024-10-29.

Conditions:
DOCK8-related disorder. Also called: DOCK8-related condition.
Combined immunodeficiency due to DOCK8 deficiency (HIES2). Also called: HYPER-IgE SYNDROME 2, AUTOSOMAL RECESSIVE, WITH RECURRENT INFECTIONS; HIES autosomal recessive; DOCK8 Deficiency; HYPER-IgE RECURRENT INFECTION SYNDROME 2, AUTOSOMAL RECESSIVE; Hyper-IgE recurrent infection syndrome, autosomal recessive. Identifiers: Orphanet 217390, MedGen C4722305, MONDO:0009478, OMIM 243700.

Allele frequency attached by ClinVar (database versions not stated): gnomAD exomes below 0.00001 and 0.00001.
gnomAD v4.1: 8 of 1,614,040 alleles (0.0005%); highest among the groups gnomAD compares: East Asian, 0.0022%; no homozygotes.

Submissions (2):

Labcorp Genetics (formerly Invitae), Labcorp
Classification: Uncertain significance for Combined immunodeficiency due to DOCK8 deficiency. Last evaluated: 2024-10-29. Review status: criteria provided, single submitter. Criteria: Invitae Variant Classification Sherloc (09022015). Collection method: clinical testing. Allele origin: germline.
Comment: This sequence change replaces arginine, which is basic and polar, with glutamine, which is neutral and polar, at codon 1406 of the DOCK8 protein (p.Arg1406Gln). This variant is not present in population databases (gnomAD no frequency). This variant has not been reported in the literature in individuals affected with DOCK8-related conditions. ClinVar contains an entry for this variant (Variation ID: 1442078). Invitae Evidence Modeling of protein sequence and biophysical properties (such as structural, functional, and spatial information, amino acid conservation, physicochemical variation, residue mobility, and thermodynamic stability) has been performed for this missense variant. However, the output from this modeling did not meet the statistical confidence thresholds required to predict the impact of this variant on DOCK8 protein function. In summary, the available evidence is currently insufficient to determine the role of this variant in disease. Therefore, it has been classified as a Variant of Uncertain Significance.

PreventionGenetics, part of Exact Sciences
Classification: Uncertain significance for DOCK8-related condition. Last evaluated: 2022-09-23. Review status: criteria provided, single submitter. Criteria: ACMG Guidelines, 2015. Collection method: clinical testing. Allele origin: germline.
Comment: The DOCK8 c.4217G>A variant is predicted to result in the amino acid substitution p.Arg1406Gln. To our knowledge, this variant has not been reported in the literature. This variant is reported in 0.00088% of alleles in individuals of European (Non-Finnish) descent in gnomAD. At this time, the clinical significance of this variant is uncertain due to the absence of conclusive functional and genetic evidence.

NM_203447.4(DOCK8):c.4217G>A (p.Arg1406Gln)

Gene: DOCK8 (dedicator of cytokinesis 8; plus strand). Cytogenetic location: 9p24.3.
Variant type: single nucleotide variant.
Coding change: c.4217G>A on transcript NM_203447.4 (MANE Select); coding-DNA position 4217, G replaced by A.
Protein change: p.Arg1406Gln; replaces arginine 1406 with glutamine.
Molecular consequence: missense variant.
Genome position (GRCh38, 1-based): chr9:422,111, G>A. VCF-style: chr9-422111-G-A. GRCh37 (hg19) VCF-style: chr9-422111-G-A.
Other names: c.4217G>A (NM_203447.3); c.3917G>A, p.Arg1306Gln (NM_001190458.2); c.4013G>A, p.Arg1338Gln (NM_001193536.2); short protein forms R1306Q, R1338Q, R1406Q.
Identifiers: ClinVar variation 1442078 (VCV001442078.8), dbSNP rs1564048056, ClinGen allele CA372764831.
Genomic context (GRCh38, chr9:422,111, plus strand): 5'-ACGACCGATTTCCAGGCCTAAATGAAAATTTGAGATGGAAGAAAGAGCAGACACATTGGC[G>A]GCAAGCTAATGAGAAGCTAGATAAGTGAGTCACTCGGCAACTTTCTGCTACTTTTACCTA-3'
Protein context (NP_982272.2, residues 1396-1416): LRWKKEQTHW[Arg1406Gln]QANEKLDKTK